The following is an entry in ClinVar:

NM_001692.4(ATP6V1B1):c.1320T>G (p.Ser440=)

Gene: ATP6V1B1 (ATPase H+ transporting V1 subunit B1; plus strand). Cytogenetic location: 2p13.3.
Variant type: single nucleotide variant.
Coding change: c.1320T>G on transcript NM_001692.4 (MANE Select); coding-DNA position 1320, T replaced by G.
Protein change: p.Ser440=; no amino-acid change (serine 440 retained).
Molecular consequence: synonymous variant.
Genome position (GRCh38, 1-based): chr2:70,964,807, T>G. VCF-style: chr2-70964807-T-G. GRCh37 (hg19) VCF-style: chr2-71191937-T-G.
Other names: p.Ser440=.
Identifiers: ClinVar variation 178289 (VCV000178289.21), dbSNP rs147250093, ClinGen allele CA182047.
Genomic context (GRCh38, chr2:70,964,807, plus strand): 5'-TGCCATCGGGAAGGACGTGCAGGCCATGAAGGCAGTAGTTGGGGAGGAGGCGCTCACCTC[T>G]GAGGACCTGCTCTACCTGGAATTCCTGCAGAAGTTTGAGAAGAACTTCATCAATCAGGGT-3'
Protein context (NP_001683.2, residues 430-450): KAVVGEEALT[Ser440=]EDLLYLEFLQ

ClinVar aggregate classification (germline): Benign. Review status: criteria provided, multiple submitters, no conflicts (2 of 4 stars). 6 submissions from 6 submitters: Benign (5). 1 of the submissions does not count toward it. Last evaluated 2026-02-04.

Conditions:
Renal tubular acidosis with progressive nerve deafness. Also called: Distal Renal Tubular Acidosis with Progressive Sensorineural Deafness; renal tubular acidosis, distal, 2, with progressive sensorineural hearing loss; RENAL TUBULAR ACIDOSIS, AUTOSOMAL RECESSIVE, WITH PROGRESSIVE NERVE DEAFNESS; RTA WITH PROGRESSIVE NERVE DEAFNESS. Identifiers: MedGen C0403554, MONDO:0009968, OMIM 267300.

Allele frequency attached by ClinVar (database versions not stated): ESP Exome Variant Server 0.00023; gnomAD exomes 0.00120 and 0.00330; gnomAD 0.00145 and 0.00170; TOPMed 0.00207; ExAC 0.00320; 1000 Genomes Project 30x 0.00640; 1000 Genomes Project 0.00659.
gnomAD v4.1: 2,284 of 1,614,084 alleles (0.14%); highest among the groups gnomAD compares: East Asian, 4.1%; 60 homozygotes.

Submissions (6):

Labcorp Genetics (formerly Invitae), Labcorp
Classification: Benign. Last evaluated: 2026-02-04. Review status: criteria provided, single submitter. Criteria: Invitae Variant Classification Sherloc (09022015). Collection method: clinical testing. Allele origin: germline.

Mayo Clinic Laboratories, Mayo Clinic
Classification: Benign. Last evaluated: 2025-08-07. Review status: criteria provided, single submitter. Criteria: ACMG Guidelines, 2015. Collection method: clinical testing. Allele origin: germline. Observed: 2 variant alleles.
Comment: BA1, BS2, BP4, BP7

GeneDx
Classification: Benign. Last evaluated: 2018-03-13. Review status: criteria provided, single submitter. Criteria: GeneDx Variant Classification (06012015). Collection method: clinical testing. Allele origin: germline. Affected: yes.
Comment: This variant is considered likely benign or benign based on one or more of the following criteria: it is a conservative change, it occurs at a poorly conserved position in the protein, it is predicted to be benign by multiple in silico algorithms, and/or has population frequency not consistent with disease.

Illumina Laboratory Services, Illumina
Classification: Benign for Renal tubular acidosis with progressive nerve deafness. Last evaluated: 2018-01-13. Review status: criteria provided, single submitter. Criteria: ICSL Variant Classification Criteria 13 December 2019. Collection method: clinical testing. Allele origin: germline.
Comment: This variant was observed in the ICSL laboratory as part of a predisposition screen in an ostensibly healthy population. It had not been previously curated by ICSL or reported in the Human Gene Mutation Database (HGMD: prior to June 1st, 2018), and was therefore a candidate for classification through an automated scoring system. Utilizing variant allele frequency, disease prevalence and penetrance estimates, and inheritance mode, an automated score was calculated to assess if this variant is too frequent to cause the disease. Based on the score and internal cut-off values, a variant classified as benign is not then subjected to further curation. The score for this variant resulted in a classification of benign for this disease.

Laboratory for Molecular Medicine, Mass General Brigham Personalized Medicine
Classification: Benign. Last evaluated: 2015-04-17. Review status: criteria provided, single submitter. Criteria: LMM Criteria. Collection method: clinical testing. Allele origin: germline. Observed: 6 variant alleles.
Comment: p.Ser440Ser in Exon 13 of ATP6V1B1: This variant is not expected to have clinica l significance because it does not alter an amino acid residue, is not located w ithin the splice consensus sequence, and has been identified in 4.4% (378/8624) of East Asian chromosomes with 9 homozygotes by the Exome Aggregation Consortium (ExAC; dbSNP rs147250093}.

Natera, Inc.
Classification: Benign for Renal tubular acidosis with progressive nerve deafness. Last evaluated: 2020-09-16. Review status: no assertion criteria provided. Collection method: clinical testing. Allele origin: germline. Not counted in ClinVar's aggregate classification.

Literature cited by the submitters: PubMed 27767102 (cited by Mayo Clinic Laboratories, Mayo Clinic).